The following is an entry in ClinVar:

NM_018706.7(DHTKD1):c.1859del (p.Leu620fs)

Gene: DHTKD1 (dehydrogenase E1 and transketolase domain containing 1; plus strand). Cytogenetic location: 10p14.
Variant type: Deletion.
Coding change: c.1859del on transcript NM_018706.7 (MANE Select); coding-DNA position 1859, one base deleted (T; older notation c.1859delT).
Protein change: p.Leu620fs; shifts the reading frame from leucine 620.
Molecular consequence: frameshift variant.
Genome position (GRCh38, 1-based): chr10:12,101,144, T deleted. VCF-style (leftmost placement, unchanged base first): chr10-12101143-CT-C. GRCh37 (hg19) VCF-style: chr10-12143142-CT-C.
Other names: c.1859delT (NM_018706.7); short protein forms L620fs.
Identifiers: ClinVar variation 1678589 (VCV001678589.2), dbSNP rs2131616447, ClinGen allele CA1139770975.
Genomic context (GRCh38, chr10:12,101,143, plus strand): 5'-ACTTTCAGTCAGAGGCATGCAATCGTGGTTTGCCAGGAGACGGATGACACCTACATCCCC[CT>C]GAACCATATGGACCCAAATCAGAAGGGGTTTCTAGAGGTGAGATGTTTCTATAGCTGTTG-3'

ClinVar aggregate classification (germline): Likely pathogenic (1 of 4 stars; one submission).

Conditions:
2-aminoadipic 2-oxoadipic aciduria (AAKAD). Also called: ALPHA-AMINOADIPIC AND ALPHA-KETOADIPIC ACIDURIA; Aminoadipic aciduria. Identifiers: Orphanet 79154, MedGen C1859817, MONDO:0008774, OMIM 204750.

Allele frequency attached by ClinVar (database versions not stated): gnomAD exomes below 0.00001.

Submission:

Molecular Genetics, Royal Melbourne Hospital
Classification: Likely pathogenic for 2-aminoadipic 2-oxoadipic aciduria. Last evaluated: 2021-04-09. Review status: criteria provided, single submitter. Criteria: ACMG Guidelines, 2015. Collection method: clinical testing. Allele origin: germline.
Comment: This sequence change is a deletion of 1 bp in exon 10 (of 17) of DHTKD1 that is predicted to create a premature termination codon at position 631 (p.(Leu620Argfs*12)). It is expected to result in nonsense mediated decay in a gene where loss of function is the reported mechanism of disease (ClinGen). The variant is absent in a large population cohort (gnomAD v2.1 and v3.1), and has not been reported in the relevant medical literature or databases. Based on the classification scheme RMH Modified ACMG Guidelines v1.3.1, this variant is classified as LIKELY PATHOGENIC. Following criteria are met: PVS1, PM2_Supporting.